The following is an entry in ClinVar:

NM_206933.4(USH2A):c.781_784+1375del

Gene: USH2A (usherin; minus strand). Cytogenetic location: 1q41.
Variant type: Deletion.
Coding change: c.781_784+1375del on transcript NM_206933.4 (MANE Select); coding-DNA position 781 through 1375 bases into the intron after coding-DNA position 784, 1,379 bases deleted.
Molecular consequence: splice donor variant.
Genome position (GRCh38, 1-based): chr1:216,363,578-216,364,956, 1,379 bases deleted. GRCh37 (hg19): chr1:216,536,924-216,538,302.
Other names: c.781_784+1375del (NM_007123.6).
Identifiers: ClinVar variation 856759 (VCV000856759.1), ClinGen allele CA916082154.

ClinVar aggregate classification (germline): Likely pathogenic (1 of 4 stars; one submission).

Submission:

Labcorp Genetics (formerly Invitae), Labcorp
Classification: Likely pathogenic. Last evaluated: 2020-01-06. Review status: criteria provided, single submitter. Criteria: Invitae Variant Classification Sherloc (09022015). Collection method: clinical testing. Allele origin: germline.
Comment: This variant results in the deletion of part of exon 4 (c.781_784+1375del) of the USH2A gene. It is expected to disrupt RNA splicing and likely results in an absent or disrupted protein product. This variant has not been reported in the literature in individuals with USH2A-related conditions. Loss-of-function variants in USH2A are known to be pathogenic (PMID: 10729113, 10909849, 20507924, 25649381). In summary, the currently available evidence indicates that the variant is pathogenic, but additional data are needed to prove that conclusively. Therefore, this variant has been classified as Likely Pathogenic.